The following is an entry in ClinVar:

NM_002755.4(MAP2K1):c.251A>G (p.Lys84Arg)

Gene: MAP2K1 (mitogen-activated protein kinase kinase 1; plus strand). Cytogenetic location: 15q22.31.
Variant type: single nucleotide variant.
Coding change: c.251A>G on transcript NM_002755.4 (MANE Select); coding-DNA position 251, A replaced by G.
Protein change: p.Lys84Arg; replaces lysine 84 with arginine.
Molecular consequence: missense variant.
Genome position (GRCh38, 1-based): chr15:66,435,197, A>G. VCF-style: chr15-66435197-A-G. GRCh37 (hg19) VCF-style: chr15-66727535-A-G.
Other names: short protein forms K84R.
Identifiers: ClinVar variation 503541 (VCV000503541.18), dbSNP rs774932586, ClinGen allele CA7623881.
Genomic context (GRCh38, chr15:66,435,197, plus strand): 5'-AGGATGACGACTTTGAGAAGATCAGTGAGCTGGGGGCTGGCAATGGCGGTGTGGTGTTCA[A>G]GGTCTCCCACAAGCCTTCTGGCCTGGTCATGGCCAGAAAGGTGAGTTTGCCTTGATTAAC-3'
Protein context (NP_002746.1, residues 74-94): LGAGNGGVVF[Lys84Arg]VSHKPSGLVM

ClinVar aggregate classification (germline): Uncertain significance. Review status: criteria provided, multiple submitters, no conflicts (2 of 4 stars). 5 submissions from 5 submitters: Uncertain significance (5). Last evaluated 2026-01-14.

Conditions:
Noonan syndrome and Noonan-related syndrome. Identifiers: Orphanet 98733, MedGen C5681679, MONDO:0020297.
RASopathy. Also called: rasopathies; Noonan spectrum disorder. Identifiers: Orphanet 536391, MedGen C5555857, MONDO:0021060.

Allele frequency attached by ClinVar (database versions not stated): ExAC 0.00001; gnomAD 0.00001; gnomAD exomes 0.00001.
gnomAD v4.1: 10 of 1,614,016 alleles (0.00062%); highest among the groups gnomAD compares: Middle Eastern, 0.016%; no homozygotes.

Submissions (5):

Labcorp Genetics (formerly Invitae), Labcorp
Classification: Uncertain significance for RASopathy. Last evaluated: 2026-01-14. Review status: criteria provided, single submitter. Criteria: Invitae Variant Classification Sherloc (09022015). Collection method: clinical testing. Allele origin: germline.
Comment: This sequence change replaces lysine, which is basic and polar, with arginine, which is basic and polar, at codon 84 of the MAP2K1 protein (p.Lys84Arg). This variant is present in population databases (rs774932586, gnomAD 0.002%). This variant has not been reported in the literature in individuals affected with MAP2K1-related conditions. ClinVar contains an entry for this variant (Variation ID: 503541). Invitae Evidence Modeling of protein sequence and biophysical properties (such as structural, functional, and spatial information, amino acid conservation, physicochemical variation, residue mobility, and thermodynamic stability) has been performed for this missense variant. However, the output from this modeling did not meet the statistical confidence thresholds required to predict the impact of this variant on MAP2K1 protein function. In summary, the available evidence is currently insufficient to determine the role of this variant in disease. Therefore, it has been classified as a Variant of Uncertain Significance.

Blueprint Genetics
Classification: Uncertain significance. Last evaluated: 2021-08-30. Review status: criteria provided, single submitter. Criteria: ACMG Guidelines, 2015. Collection method: clinical testing. Allele origin: germline.

GeneDx
Classification: Uncertain significance. Last evaluated: 2020-11-03. Review status: criteria provided, single submitter. Criteria: GeneDx Variant Classification Process June 2021. Collection method: clinical testing. Allele origin: germline. Affected: yes.
Comment: Not observed at a significant frequency in large population cohorts (Lek et al., 2016); Missense variants in this gene are often considered pathogenic (Stenson et al., 2014); In silico analysis supports that this missense variant does not alter protein structure/function; Has not been previously published as pathogenic or benign to our knowledge

Genome Diagnostics Laboratory, The Hospital for Sick Children
Classification: Uncertain significance for Noonan syndrome and Noonan-related syndrome. Last evaluated: 2020-02-01. Review status: criteria provided, single submitter. Criteria: ACMG Guidelines, 2015. Collection method: clinical testing. Allele origin: germline.

Laboratory for Molecular Medicine, Mass General Brigham Personalized Medicine
Classification: Uncertain significance. Last evaluated: 2018-03-01. Review status: criteria provided, single submitter. Criteria: LMM Criteria. Collection method: clinical testing. Allele origin: germline.
Comment: Disclaimer: This variant has not undergone full assessment. The following are preliminary notes: GnomAd 15:66727535 A / G: European 2/111668; well conserved; Not in Pubmed, ClinVar, Google search or HGMD; possibly damaging by polyphen